The following is an entry in ClinVar:

ClinVar aggregate classification (germline): Uncertain significance (1 of 4 stars; one submission).

gnomAD v4.1: 1 of 1,613,968 alleles (0.000062%); highest among the groups gnomAD compares: Non-Finnish European, 0.000085%; no homozygotes.

Submission:

GeneDx
Classification: Uncertain significance. Last evaluated: 2025-05-01. Review status: criteria provided, single submitter. Criteria: GeneDx Variant Classification Process June 2021. Collection method: clinical testing. Allele origin: germline. Affected: yes.
Comment: Not observed at significant frequency in large population cohorts (gnomAD); Missense variant in a gene in which most reported pathogenic variants are truncating/loss of function; Has not been previously published as pathogenic or benign to our knowledge

NM_001267550.2(TTN):c.104219G>A (p.Ser34740Asn)

Genes: TTN (titin; minus strand), TTN-AS1 (TTN antisense RNA 1; plus strand). Cytogenetic location: 2q31.2.
Variant type: single nucleotide variant.
Coding change: c.104219G>A on transcript NM_001267550.2 (MANE Select); coding-DNA position 104219, G replaced by A.
Protein change: p.Ser34740Asn; replaces serine 34740 with asparagine.
Molecular consequence: missense variant.
Genome position (GRCh38, 1-based): chr2:178,532,396, C>T on the plus strand (G>A on the coding strand, the complement: TTN is on the minus strand). VCF-style: chr2-178532396-C-T. GRCh37 (hg19) VCF-style: chr2-179397123-C-T.
Other names: c.99296G>A, p.Ser33099Asn (NM_001256850.1); c.77024G>A, p.Ser25675Asn (NM_003319.4); c.96515G>A, p.Ser32172Asn (NM_133378.4); c.77399G>A, p.Ser25800Asn (NM_133432.3); c.77600G>A, p.Ser25867Asn (NM_133437.4); short protein forms S25675N, S25800N, S25867N, S32172N, S33099N, S34740N.
Identifiers: ClinVar variation 4527514 (VCV004527514.1).